The following is an entry in ClinVar:

ClinVar aggregate classification (germline): Pathogenic (1 of 4 stars; one submission).

Conditions:
Recessive dystrophic epidermolysis bullosa (RDEB). Also called: DYSTROPHIC EPIDERMOLYSIS BULLOSA, AUTOSOMAL RECESSIVE; EPIDERMOLYSIS BULLOSA DYSTROPHICA, HALLOPEAU-SIEMENS TYPE; Hallopeau-Siemens Disease; severe generalized recessive dystrophic epidermolysis bullosa; EPIDERMOLYSIS BULLOSA DYSTROPHICA, GENERALIZED SEVERE, AUTOSOMAL RECESSIVE; Epidermolysis Bullosa Distrophica Autosomal Recessive (RDEB). Identifiers: Orphanet 79408, Orphanet 79409, MedGen C0079474, MONDO:0009179, OMIM 226600.

Submission:

Myriad Genetics, Inc.
Classification: Pathogenic for Recessive dystrophic epidermolysis bullosa. Last evaluated: 2024-02-09. Review status: criteria provided, single submitter. Criteria: Myriad Autosomal Dominant, Autosomal Recessive and X-Linked Classification Criteria (2023). Collection method: clinical testing. Allele origin: unknown.
Comment: NM_000094.3(COL7A1):c.2253_2254dupGC(H752Rfs*3) is expected to be pathogenic in the context of dystrophic epidermolysis bullosa. This variant is predicted to lead to an abnormal or absent protein product due to the creation of a premature termination codon in COL7A1, a gene where loss-of-function variants are known to be pathogenic. Please note: this variant was assessed in the context of healthy population screening.

NM_000094.4(COL7A1):c.2253_2254dup (p.His752fs)

Gene: COL7A1 (collagen type VII alpha 1 chain; minus strand). Cytogenetic location: 3p21.31.
Variant type: Duplication.
Coding change: c.2253_2254dup on transcript NM_000094.4 (MANE Select); coding-DNA positions 2253 to 2254, 2 bases duplicated (GC; older notation c.2253_2254dupGC).
Protein change: p.His752fs; shifts the reading frame from histidine 752.
Molecular consequence: frameshift variant.
Genome position (GRCh38, 1-based): chr3:48,589,387-48,589,388, GC duplicated on the plus strand (GC on the coding strand, the reverse complement: COL7A1 is on the minus strand). VCF-style (leftmost placement, unchanged base first): chr3-48589386-T-TGC. GRCh37 (hg19) VCF-style: chr3-48626819-T-TGC.
Other names: short protein forms H752fs.
Identifiers: ClinVar variation 5012722 (VCV005012722.1).